The following is an entry in ClinVar:

ClinVar aggregate classification (germline): Uncertain significance. Review status: criteria provided, multiple submitters, no conflicts (2 of 4 stars). 4 submissions from 4 submitters: Uncertain significance (4). Last evaluated 2024-09-16.

Conditions:
Developmental and epileptic encephalopathy, 1 (DEE1). Also called: INFANTILE SPASM SYNDROME, X-LINKED 1; Epileptic encephalopathy, early infantile, 1; X-linked infantile spasms; West's syndrome; Tonic spasms with clustering, arrest of psychomotor development and hypsarrhythmia on EEG; X-Linked Infantile Spasm Syndrome. Identifiers: MedGen C3463992, MONDO:0010632, OMIM 308350. Disease mechanism: loss of function.
Autosomal recessive spinocerebellar ataxia 12. Also called: SPINOCEREBELLAR ATAXIA WITH MENTAL RETARDATION AND EPILEPSY. Identifiers: Orphanet 284282, MedGen C3280452, MONDO:0013687, OMIM 614322.

Allele frequency attached by ClinVar (database versions not stated): ExAC 0.00001; TOPMed 0.00001; gnomAD 0.00002; gnomAD exomes 0.00002.
gnomAD v4.1: 15 of 1,614,004 alleles (0.00093%); highest among the groups gnomAD compares: Admixed American, 0.0033%; no homozygotes.

Submissions (4):

Blueprint Genetics
Classification: Uncertain significance. Last evaluated: 2024-09-16. Review status: criteria provided, single submitter. Criteria: ACMG Guidelines, 2015. Collection method: clinical testing. Allele origin: germline.

CeGaT Center for Human Genetics Tuebingen
Classification: Uncertain significance. Last evaluated: 2022-07-01. Review status: criteria provided, single submitter. Criteria: CeGaT Center For Human Genetics Tuebingen Variant Classification Criteria Version 2. Collection method: clinical testing. Allele origin: germline. Affected: yes. Observed: 3 variant alleles.

Labcorp Genetics (formerly Invitae), Labcorp
Classification: Uncertain significance for Developmental and epileptic encephalopathy, 1; Autosomal recessive spinocerebellar ataxia 12. Last evaluated: 2022-05-31. Review status: criteria provided, single submitter. Criteria: Invitae Variant Classification Sherloc (09022015). Collection method: clinical testing. Allele origin: germline.
Comment: This sequence change replaces histidine, which is basic and polar, with tyrosine, which is neutral and polar, at codon 147 of the WWOX protein (p.His147Tyr). This variant is present in population databases (rs746480783, gnomAD 0.004%). This variant has not been reported in the literature in individuals affected with WWOX-related conditions. ClinVar contains an entry for this variant (Variation ID: 916223). Algorithms developed to predict the effect of missense changes on protein structure and function are either unavailable or do not agree on the potential impact of this missense change (SIFT: "Not Available"; PolyPhen-2: "Possibly Damaging"; Align-GVGD: "Not Available"). In summary, the available evidence is currently insufficient to determine the role of this variant in disease. Therefore, it has been classified as a Variant of Uncertain Significance.

Mayo Clinic Laboratories, Mayo Clinic
Classification: Uncertain significance. Last evaluated: 2022-01-10. Review status: criteria provided, single submitter. Criteria: ACMG Guidelines, 2015. Collection method: clinical testing. Allele origin: germline. Observed: 1 variant allele.
Comment: BP5, PM2

NM_016373.4(WWOX):c.439C>T (p.His147Tyr)

Gene: WWOX (WW domain containing oxidoreductase; plus strand). Cytogenetic location: 16q23.1.
Variant type: single nucleotide variant.
Coding change: c.439C>T on transcript NM_016373.4 (MANE Select); coding-DNA position 439, C replaced by T.
Protein change: p.His147Tyr; replaces histidine 147 with tyrosine.
Molecular consequence: missense variant. On other transcripts: non-coding transcript variant (1).
Genome position (GRCh38, 1-based): chr16:78,164,212, C>T. VCF-style: chr16-78164212-C-T. GRCh37 (hg19) VCF-style: chr16-78198109-C-T.
Other names: p.His147Tyr; c.100C>T, p.His34Tyr (NM_001291997.2); c.439C>T, p.His147Tyr (NM_130791.5); c.439C>T (NM_016373.3); short protein forms H147Y, H34Y.
Identifiers: ClinVar variation 916223 (VCV000916223.46), dbSNP rs746480783, ClinGen allele CA8183219.